The following is an entry in ClinVar:

ClinVar aggregate classification (germline): Benign/Likely benign. Review status: criteria provided, multiple submitters, no conflicts (2 of 4 stars). 2 submissions from 2 submitters: Benign (1); Likely benign (1). Last evaluated 2025-05-05.

Conditions:
Tuberous sclerosis 1 (TSC1). Identifiers: Orphanet 805, MedGen C1854465, MONDO:0008612, OMIM 191100.

gnomAD v4.1: 1 of 1,614,206 alleles (0.000062%); highest among the groups gnomAD compares: Non-Finnish European, 0.000085%; no homozygotes.

Submissions (2):

Labcorp Genetics (formerly Invitae), Labcorp
Classification: Likely benign for Tuberous sclerosis 1. Last evaluated: 2025-05-05. Review status: criteria provided, single submitter. Criteria: Invitae Variant Classification Sherloc (09022015). Collection method: clinical testing. Allele origin: germline.

Myriad Genetics, Inc.
Classification: Benign for Tuberous sclerosis 1. Last evaluated: 2025-04-30. Review status: criteria provided, single submitter. Criteria: Myriad Autosomal Dominant, Autosomal Recessive and X-Linked Classification Criteria (2023). Collection method: clinical testing. Allele origin: unknown.
Comment: This variant is considered benign. This variant is a silent/synonymous amino acid change and it is not expected to impact splicing.

NM_000368.5(TSC1):c.3177C>T (p.Phe1059=)

Gene: TSC1 (TSC complex subunit 1; minus strand). Cytogenetic location: 9q34.13.
Variant type: single nucleotide variant.
Coding change: c.3177C>T on transcript NM_000368.5 (MANE Select); coding-DNA position 3177, C replaced by T.
Protein change: p.Phe1059=; no amino-acid change (phenylalanine 1059 retained).
Molecular consequence: synonymous variant.
Genome position (GRCh38, 1-based): chr9:132,896,553, G>A on the plus strand (C>T on the coding strand, the complement: TSC1 is on the minus strand). VCF-style: chr9-132896553-G-A. GRCh37 (hg19) VCF-style: chr9-135771940-G-A.
Other names: c.3174C>T, p.Phe1058= (NM_001162426.2); c.3024C>T, p.Phe1008= (NM_001162427.2); c.2814C>T, p.Phe938= (NM_001362177.2).
Identifiers: ClinVar variation 1138542 (VCV001138542.10), dbSNP rs753263747, ClinGen allele CA467812759.